The following is an entry in ClinVar:

ClinVar aggregate classification (germline): Uncertain significance (1 of 4 stars; one submission).

Conditions:
Inborn genetic diseases. Identifiers: MedGen C0950123, MeSH D030342.

gnomAD v4.1: 2 of 1,613,762 alleles (0.00012%); highest among the groups gnomAD compares: Non-Finnish European, 0.00017%; no homozygotes.

Submission:

Ambry Genetics
Classification: Uncertain significance for Inborn genetic diseases. Last evaluated: 2025-08-25. Review status: criteria provided, single submitter. Criteria: Ambry Variant Classification Scheme 2023. Collection method: clinical testing. Allele origin: germline.
Comment: The p.H1033R variant (also known as c.3098A>G), located in coding exon 1 of the SAMD9L gene, results from an A to G substitution at nucleotide position 3098. The histidine at codon 1033 is replaced by arginine, an amino acid with highly similar properties. This amino acid position is conserved. In addition, this alteration is predicted to be tolerated by in silico analysis. Based on the available evidence, the clinical significance of this variant remains unclear.

NM_152703.5(SAMD9L):c.3098A>G (p.His1033Arg)

Gene: SAMD9L (sterile alpha motif domain containing 9 like; minus strand). Cytogenetic location: 7q21.2.
Variant type: single nucleotide variant.
Coding change: c.3098A>G on transcript NM_152703.5 (MANE Select); coding-DNA position 3098, A replaced by G.
Protein change: p.His1033Arg; replaces histidine 1033 with arginine.
Molecular consequence: missense variant.
Genome position (GRCh38, 1-based): chr7:93,132,874, T>C on the plus strand (A>G on the coding strand, the complement: SAMD9L is on the minus strand). VCF-style: chr7-93132874-T-C. GRCh37 (hg19) VCF-style: chr7-92762187-T-C.
Other names: c.3098A>G, p.His1033Arg (NM_001303496.3, NM_001303497.3, NM_001303498.3 and 5 more transcripts); short protein forms H1033R.
Identifiers: ClinVar variation 3437259 (VCV003437259.2).